The following is an entry in ClinVar:

ClinVar aggregate classification (germline): Uncertain significance (1 of 4 stars; one submission).

Conditions:
Kabuki syndrome. Also called: Kabuki make-up syndrome; NIIKAWA-KUROKI SYNDROME. Identifiers: Orphanet 2322, MedGen C0796004, MONDO:0016512.

gnomAD v4.1: 1 of 1,613,648 alleles (0.000062%); highest among the groups gnomAD compares: Non-Finnish European, 0.000085%; no homozygotes.

Submission:

Labcorp Genetics (formerly Invitae), Labcorp
Classification: Uncertain significance for Kabuki syndrome. Last evaluated: 2023-11-15. Review status: criteria provided, single submitter. Criteria: Invitae Variant Classification Sherloc (09022015). Collection method: clinical testing. Allele origin: germline.
Comment: This sequence change replaces arginine, which is basic and polar, with proline, which is neutral and non-polar, at codon 1786 of the KMT2D protein (p.Arg1786Pro). This variant is not present in population databases (gnomAD no frequency). This variant has not been reported in the literature in individuals affected with KMT2D-related conditions. Advanced modeling of protein sequence and biophysical properties (such as structural, functional, and spatial information, amino acid conservation, physicochemical variation, residue mobility, and thermodynamic stability) has been performed at Invitae for this missense variant, however the output from this modeling did not meet the statistical confidence thresholds required to predict the impact of this variant on KMT2D protein function. In summary, the available evidence is currently insufficient to determine the role of this variant in disease. Therefore, it has been classified as a Variant of Uncertain Significance.

NM_003482.4(KMT2D):c.5357G>C (p.Arg1786Pro)

Gene: KMT2D (lysine methyltransferase 2D; minus strand). Cytogenetic location: 12q13.12.
Variant type: single nucleotide variant.
Coding change: c.5357G>C on transcript NM_003482.4 (MANE Select); coding-DNA position 5357, G replaced by C.
Protein change: p.Arg1786Pro; replaces arginine 1786 with proline.
Molecular consequence: missense variant.
Genome position (GRCh38, 1-based): chr12:49,043,745, C>G on the plus strand (G>C on the coding strand, the complement: KMT2D is on the minus strand). VCF-style: chr12-49043745-C-G. GRCh37 (hg19) VCF-style: chr12-49437528-C-G.
Other names: short protein forms R1786P.
Identifiers: ClinVar variation 2877487 (VCV002877487.3), dbSNP rs779659959, ClinGen allele CA384633701.